The following is an entry in ClinVar:

NM_012234.7(RYBP):c.126C>T (p.Ser42=)

Gene: RYBP (RING1 and YY1 binding protein; minus strand). Cytogenetic location: 3p13.
Variant type: single nucleotide variant.
Coding change: c.126C>T on transcript NM_012234.7 (MANE Select); coding-DNA position 126, C replaced by T.
Protein change: p.Ser42=; no amino-acid change (serine 42 retained).
Molecular consequence: synonymous variant.
Genome position (GRCh38, 1-based): chr3:72,446,528, G>A on the plus strand (C>T on the coding strand, the complement: RYBP is on the minus strand). VCF-style: chr3-72446528-G-A. GRCh37 (hg19) VCF-style: chr3-72495679-G-A.
Other names: p.Ser42=.
Identifiers: ClinVar variation 3906931 (VCV003906931.1).
Genomic context (GRCh38, chr3:72,446,528, plus strand): 5'-ACAAAAGGTAACACAGATCTTCAAGTACCTGGTGGAGGTGCCTTTCCTCACATCGCAGAT[G>A]CTGCATTTAAAGGCTTCAGCACTGTTTCTGAAGGTGCAGACGCTACAATCCCAAAACCCT-3'
Protein context (NP_036366.3, residues 32-52): FRNSAEAFKC[Ser42=]ICDVRKGTST

ClinVar aggregate classification (germline): Uncertain significance (1 of 4 stars; one submission).

Conditions:
RYBP-related condition.

Submission:

Undiagnosed Diseases Network, NIH
Classification: Uncertain significance for RYBP-related condition. Last evaluated: 2017-07-15. Review status: criteria provided, single submitter. Criteria: ACMG Guidelines, 2015. Collection method: clinical testing. Allele origin: de novo. Inheritance: Autosomal dominant inheritance. Affected: yes. Observed: 1 variant allele, 1 heterozygote. Study: Undiagnosed Diseases Network (NIH), UDN.
Comment: Variant observed in cis with the p.Cys44Trp variant.

Literature cited by the submitters: PubMed 39891528.